The following is an entry in ClinVar:

NM_182643.3(DLC1):c.1830C>A (p.Ser610Arg)

Gene: DLC1 (DLC1 Rho GTPase activating protein; minus strand). Cytogenetic location: 8p22.
Variant type: single nucleotide variant.
Coding change: c.1830C>A on transcript NM_182643.3 (MANE Select); coding-DNA position 1830, C replaced by A.
Protein change: p.Ser610Arg; replaces serine 610 with arginine.
Molecular consequence: missense variant.
Genome position (GRCh38, 1-based): chr8:13,100,507, G>T on the plus strand (C>A on the coding strand, the complement: DLC1 is on the minus strand). VCF-style: chr8-13100507-G-T. GRCh37 (hg19) VCF-style: chr8-12958016-G-T.
Other names: c.1830C>A (NM_182643.2); c.297C>A, p.Ser99Arg (NM_001164271.2, NM_001348082.2, NM_001348083.1 and 6 more transcripts); c.621C>A, p.Ser207Arg (NM_001316668.2, NM_001413129.1); c.1830C>A, p.Ser610Arg (NM_001348081.2, NM_001413124.1); c.612C>A, p.Ser204Arg (NM_001413130.1); c.270C>A, p.Ser90Arg (NM_001413131.1, NM_001413137.1); c.756C>A, p.Ser252Arg (NM_001413132.1); c.519C>A, p.Ser173Arg (NM_001413135.1, NM_001413136.1, NM_001413139.1 and 1 more transcripts); and 1 more; short protein forms S610R, S90R, S173R, S204R, S207R, S252R, S99R, S218R.
Identifiers: ClinVar variation 2191636 (VCV002191636.6), dbSNP rs773622309, ClinGen allele CA4638790.

ClinVar aggregate classification (germline): Uncertain significance. Review status: criteria provided, multiple submitters, no conflicts (2 of 4 stars). 2 submissions from 2 submitters: Uncertain significance (2). Last evaluated 2025-10-14.

Allele frequency attached by ClinVar (database versions not stated): gnomAD 0.00002; ExAC 0.00003; TOPMed 0.00004.
gnomAD v4.1: 46 of 1,612,296 alleles (0.0029%); highest among the groups gnomAD compares: Admixed American, 0.005%; no homozygotes.

Submissions (2):

Ambry Genetics
Classification: Uncertain significance. Last evaluated: 2025-10-14. Review status: criteria provided, single submitter. Criteria: Ambry Variant Classification Scheme 2023. Collection method: clinical testing. Allele origin: germline.

Labcorp Genetics (formerly Invitae), Labcorp
Classification: Uncertain significance. Last evaluated: 2022-04-18. Review status: criteria provided, single submitter. Criteria: Invitae Variant Classification Sherloc (09022015). Collection method: clinical testing. Allele origin: germline.
Comment: In summary, the available evidence is currently insufficient to determine the role of this variant in disease. Therefore, it has been classified as a Variant of Uncertain Significance. Algorithms developed to predict the effect of missense changes on protein structure and function output the following: SIFT: "Tolerated"; PolyPhen-2: "Benign"; Align-GVGD: "Class C0". The arginine amino acid residue is found in multiple mammalian species, which suggests that this missense change does not adversely affect protein function. This variant has not been reported in the literature in individuals affected with DLC1-related conditions. This variant is present in population databases (rs773622309, gnomAD 0.06%). This sequence change replaces serine, which is neutral and polar, with arginine, which is basic and polar, at codon 610 of the DLC1 protein (p.Ser610Arg).